The following is an entry in ClinVar:

NM_000245.4(MET):c.1011G>A (p.Leu337=)

Gene: MET (MET proto-oncogene, receptor tyrosine kinase; plus strand). Cytogenetic location: 7q31.2.
Variant type: single nucleotide variant.
Coding change: c.1011G>A on transcript NM_000245.4 (MANE Select); coding-DNA position 1011, G replaced by A.
Protein change: p.Leu337=; no amino-acid change (leucine 337 retained).
Molecular consequence: synonymous variant. On other transcripts: intron variant (1).
Genome position (GRCh38, 1-based): chr7:116,700,095, G>A. VCF-style: chr7-116700095-G-A. GRCh37 (hg19) VCF-style: chr7-116340149-G-A.
Other names: c.1011G>A, p.Leu337= (NM_001127500.3, NM_001324401.3); c.-91+27518G>A (NM_001324402.2).
Identifiers: ClinVar variation 358683 (VCV000358683.17), dbSNP rs886061942, ClinGen allele CA10628122.

ClinVar aggregate classification (germline): Conflicting classifications of pathogenicity. Review status: criteria provided, conflicting classifications (1 of 4 stars). 5 submissions from 5 submitters: Uncertain significance (1); Benign (1); Likely benign (3). Last evaluated 2026-07-19.

Conditions:
Renal cell carcinoma. Identifiers: Orphanet 217071, MedGen C0007134, MeSH D002292, MONDO:0005086, HP:0005584.
Papillary renal cell carcinoma type 1 (RCCP1). Also called: RENAL CELL CARCINOMA, PAPILLARY, 1, SOMATIC; Renal adenocarcinoma; Renal cell carcinoma 1; Renal cell carcinoma, somatic. Identifiers: Orphanet 47044, MedGen C1336839, OMIM 605074, HP:0011797.
Hereditary cancer-predisposing syndrome. Also called: Neoplastic Syndromes, Hereditary; Hereditary Cancer Syndrome; Tumor predisposition; Hereditary neoplastic syndrome. Identifiers: Orphanet 140162, MedGen C0027672, MeSH D009386, MONDO:0015356.

Allele frequency attached by ClinVar (database versions not stated): gnomAD exomes below 0.00001.
gnomAD v4.1: 2 of 1,610,908 alleles (0.00012%); highest among the groups gnomAD compares: Non-Finnish European, 0.000085%; no homozygotes.

Submissions (5):

Ambry Genetics
Classification: Likely benign for Hereditary cancer-predisposing syndrome. Last evaluated: 2026-07-19. Review status: criteria provided, single submitter. Criteria: Ambry Variant Classification Scheme 2023. Collection method: clinical testing. Allele origin: germline.

Center for Genomic Medicine, Rigshospitalet, Copenhagen University Hospital
Classification: Likely benign. Last evaluated: 2025-03-04. Review status: criteria provided, single submitter. Criteria: ACMG Guidelines, 2015. Collection method: clinical testing. Allele origin: germline.

Myriad Genetics, Inc.
Classification: Benign for Papillary renal cell carcinoma type 1. Last evaluated: 2024-11-07. Review status: criteria provided, single submitter. Criteria: Myriad Autosomal Dominant, Autosomal Recessive and X-Linked Classification Criteria (2023). Collection method: clinical testing. Allele origin: unknown.
Comment: This variant is considered benign. This variant is a silent/synonymous amino acid change and it is not expected to impact splicing.

Labcorp Genetics (formerly Invitae), Labcorp
Classification: Likely benign for Renal cell carcinoma. Last evaluated: 2023-09-01. Review status: criteria provided, single submitter. Criteria: Invitae Variant Classification Sherloc (09022015). Collection method: clinical testing. Allele origin: germline.

Illumina Laboratory Services, Illumina
Classification: Uncertain significance for Papillary renal cell carcinoma type 1. Last evaluated: 2018-01-12. Review status: criteria provided, single submitter. Criteria: ICSL Variant Classification Criteria 13 December 2019. Collection method: clinical testing. Allele origin: germline.